The following is an entry in ClinVar:

ClinVar aggregate classification (germline): Pathogenic. Review status: criteria provided, multiple submitters, no conflicts (2 of 4 stars). 3 submissions from 3 submitters: Pathogenic (2). 1 of the submissions does not count toward it. Last evaluated 2023-10-16.

Conditions:
Cobalamin C disease. Also called: Methylmalonic aciduria with homocystinuria cblC type; Methylmalonic aciduria and homocystinuria, Vitamin B12-responsive; Vitamin B12 metabolic defect with combined deficiency of methylmalonyl-CoA mutase and homocysteine:methyltetrahydrofolate methyltransferase; methylmalonic aciduria and homocystinuria type cblC; Cobalamin-C methylmalonic acidemia and homocystinuria; Methylmalonic acidemia and homocystinuria cblC type. Identifiers: Orphanet 26, Orphanet 79282, MedGen C1848561, MONDO:0010184, OMIM 277400.

Allele frequency attached by ClinVar (database versions not stated): TOPMed 0.00001.

Submissions (3):

Baylor Genetics
Classification: Pathogenic for Cobalamin C disease. Last evaluated: 2023-10-16. Review status: criteria provided, single submitter. Criteria: ACMG Guidelines, 2015. Collection method: clinical testing. Allele origin: unknown.

Labcorp Genetics (formerly Invitae), Labcorp
Classification: Pathogenic for Cobalamin C disease. Last evaluated: 2022-04-29. Review status: criteria provided, single submitter. Criteria: Invitae Variant Classification Sherloc (09022015). Collection method: clinical testing. Allele origin: germline.
Comment: ClinVar contains an entry for this variant (Variation ID: 1075815). For these reasons, this variant has been classified as Pathogenic. This variant disrupts a region of the MMACHC protein in which other variant(s) (p.Tyr222*) have been determined to be pathogenic (PMID: 16311595, 19767224, 30157807). This suggests that this is a clinically significant region of the protein, and that variants that disrupt it are likely to be disease-causing. Algorithms developed to predict the effect of sequence changes on RNA splicing suggest that this variant may create or strengthen a splice site. This premature translational stop signal has been observed in individual(s) with methylmalonic aciduria and homocystinuria (PMID: 30157807). This variant is not present in population databases (gnomAD no frequency). This sequence change creates a premature translational stop signal (p.Trp200*) in the MMACHC gene. While this is not anticipated to result in nonsense mediated decay, it is expected to disrupt the last 83 amino acid(s) of the MMACHC protein.

Natera, Inc.
Classification: Pathogenic for Methylmalonic aciduria and homocystinuria cblC type. Last evaluated: 2021-07-30. Review status: no assertion criteria provided. Collection method: clinical testing. Allele origin: germline. Not counted in ClinVar's aggregate classification.

Literature cited by the submitters: PubMed 16311595 (cited by Labcorp Genetics (formerly Invitae), Labcorp); PubMed 19767224 (cited by Labcorp Genetics (formerly Invitae), Labcorp); PubMed 30157807 (cited by Labcorp Genetics (formerly Invitae), Labcorp).

NM_015506.3(MMACHC):c.599G>A (p.Trp200Ter)

Genes: MMACHC (metabolism of cobalamin associated C; plus strand), LOC129930446 (ATAC-STARR-seq lymphoblastoid active region 972; plus strand). Cytogenetic location: 1p34.1.
Variant type: single nucleotide variant.
Coding change: c.599G>A on transcript NM_015506.3 (MANE Select); coding-DNA position 599, G replaced by A.
Protein change: p.Trp200Ter; replaces tryptophan 200 with a stop codon.
Molecular consequence: nonsense.
Genome position (GRCh38, 1-based): chr1:45,508,965, G>A. VCF-style: chr1-45508965-G-A. GRCh37 (hg19) VCF-style: chr1-45974637-G-A.
Other names: c.428G>A, p.Trp143Ter (NM_001330540.2); short protein forms W143*, W200*.
Identifiers: ClinVar variation 1075815 (VCV001075815.17), dbSNP rs1399932916, ClinGen allele CA340133616.